The following is an entry in ClinVar:

NM_001283009.2(RTEL1):c.3026C>T (p.Ser1009Phe)

Genes: RTEL1 (regulator of telomere elongation helicase 1; plus strand), RTEL1-TNFRSF6B (RTEL1-TNFRSF6B readthrough (NMD candidate); plus strand). Cytogenetic location: 20q13.33.
Variant type: single nucleotide variant.
Coding change: c.3026C>T on transcript NM_001283009.2 (MANE Select); coding-DNA position 3026, C replaced by T.
Protein change: p.Ser1009Phe; replaces serine 1009 with phenylalanine.
Molecular consequence: missense variant. On other transcripts: non-coding transcript variant (1).
Genome position (GRCh38, 1-based): chr20:63,694,405, C>T. VCF-style: chr20-63694405-C-T. GRCh37 (hg19) VCF-style: chr20-62325758-C-T.
Other names: c.2357C>T, p.Ser786Phe (NM_001283010.1); c.3026C>T, p.Ser1009Phe (NM_016434.4); c.3098C>T, p.Ser1033Phe (NM_032957.5); short protein forms S1009F, S1033F, S786F.
Identifiers: ClinVar variation 577027 (VCV000577027.8), dbSNP rs1026729377, ClinGen allele CA317527006.

ClinVar aggregate classification (germline): Uncertain significance. Review status: criteria provided, multiple submitters, no conflicts (2 of 4 stars). 2 submissions from 2 submitters: Uncertain significance (2). Last evaluated 2025-01-03.

Conditions:
Inborn genetic diseases. Identifiers: MedGen C0950123, MeSH D030342.
Dyskeratosis congenita, autosomal recessive 5 (DKCB5). Identifiers: MedGen C3554656, MONDO:0014076, OMIM 615190.
Pulmonary fibrosis and/or bone marrow failure, Telomere-related, 3. Also called: PULMONARY FIBROSIS AND/OR BONE MARROW FAILURE SYNDROME, TELOMERE-RELATED, 3. Identifiers: Orphanet 2032, MedGen C4225346, MONDO:0014613, OMIM 616373.

Allele frequency attached by ClinVar (database versions not stated): gnomAD exomes below 0.00001 and 0.00003; TOPMed below 0.00001; gnomAD 0.00001.
gnomAD v4.1: 39 of 1,611,970 alleles (0.0024%); highest among the groups gnomAD compares: Non-Finnish European, 0.0032%; no homozygotes.

Submissions (2):

Ambry Genetics
Classification: Uncertain significance for Inborn genetic diseases. Last evaluated: 2025-01-03. Review status: criteria provided, single submitter. Criteria: Ambry Variant Classification Scheme 2023. Collection method: clinical testing. Allele origin: germline.
Comment: The p.S1009F variant (also known as c.3026C>T), located in coding exon 30 of the RTEL1 gene, results from a C to T substitution at nucleotide position 3026. The serine at codon 1009 is replaced by phenylalanine, an amino acid with highly dissimilar properties. This amino acid position is conserved. In addition, the in silico prediction for this alteration is inconclusive. Based on the available evidence, the clinical significance of this variant remains unclear.

Labcorp Genetics (formerly Invitae), Labcorp
Classification: Uncertain significance for Dyskeratosis congenita, autosomal recessive 5; Pulmonary fibrosis and/or bone marrow failure, Telomere-related, 3. Last evaluated: 2024-10-30. Review status: criteria provided, single submitter. Criteria: Invitae Variant Classification Sherloc (09022015). Collection method: clinical testing. Allele origin: germline.
Comment: This sequence change replaces serine, which is neutral and polar, with phenylalanine, which is neutral and non-polar, at codon 1009 of the RTEL1 protein (p.Ser1009Phe). This variant is present in population databases (no rsID available, gnomAD 0.003%). This variant has not been reported in the literature in individuals affected with RTEL1-related conditions. ClinVar contains an entry for this variant (Variation ID: 577027). An algorithm developed to predict the effect of missense changes on protein structure and function outputs the following: PolyPhen-2: "Benign". The phenylalanine amino acid residue is found in multiple mammalian species, which suggests that this missense change does not adversely affect protein function. In summary, the available evidence is currently insufficient to determine the role of this variant in disease. Therefore, it has been classified as a Variant of Uncertain Significance.